The following is an entry in ClinVar:

ClinVar aggregate classification (germline): Uncertain significance. Review status: criteria provided, multiple submitters, no conflicts (2 of 4 stars). 3 submissions from 3 submitters: Uncertain significance (3). Last evaluated 2024-05-21.

Conditions:
Maturity-onset diabetes of the young type 3. Also called: MODY type 3; MODY, type III. Identifiers: Orphanet 552, MedGen C1838100, MeSH C563933, MONDO:0010894, OMIM 600496. Disease mechanism: loss of function.
Diabetes mellitus type 1 (T1D). Also called: Diabetes Mellitus, Juvenile-Onset; Type I diabetes mellitus. Identifiers: MedGen C0011854, MONDO:0005147, OMIM 222100, HP:0100651.
Type 2 diabetes mellitus. Also called: Type II diabetes mellitus. Identifiers: MedGen C0011860, MeSH D003924, MONDO:0005148, OMIM 125853, HP:0005978.
Hepatic adenomas, familial. Also called: LIVER CELL ADENOMAS, FAMILIAL; HEPATIC ADENOMA, SOMATIC. Identifiers: MedGen C1840646, MONDO:0007718, OMIM 142330.
Type 1 diabetes mellitus 20 (T1D20). Also called: Diabetes mellitus, insulin-dependent, 20. Identifiers: MedGen C2675866, MONDO:0012919, OMIM 612520.
Nonpapillary renal cell carcinoma. Identifiers: Orphanet 422526, MedGen CN074294, MONDO:0007763, OMIM 144700.
HNF1A-related disorder. Also called: HNF1A-related condition.

Allele frequency attached by ClinVar (database versions not stated): gnomAD exomes 0.00001; ExAC 0.00002; TOPMed 0.00002.
gnomAD v4.1: 4 of 1,592,242 alleles (0.00025%); highest among the groups gnomAD compares: East Asian, 0.0068%; no homozygotes.

Submissions (3):

Fulgent Genetics
Classification: Uncertain significance for Type 2 diabetes mellitus; Hepatic adenomas, familial; Nonpapillary renal cell carcinoma; Diabetes mellitus type 1; Maturity-onset diabetes of the young type 3; Type 1 diabetes mellitus 20. Last evaluated: 2024-05-21. Review status: criteria provided, single submitter. Criteria: ACMG Guidelines, 2015. Collection method: clinical testing. Allele origin: germline.

PreventionGenetics, part of Exact Sciences
Classification: Uncertain significance for HNF1A-related condition. Last evaluated: 2023-06-20. Review status: criteria provided, single submitter. Criteria: ACMG Guidelines, 2015. Collection method: clinical testing. Allele origin: germline.
Comment: The HNF1A c.932C>A variant is predicted to result in the amino acid substitution p.Ala311Asp. This variant has been reported in several individuals with maturity onset diabetes of the young, type 3 (MODY3); however, pathogenicity of the variant was not conclusively established in any of the reports (Xu et al. 2005. PubMed ID: 15657605; Bellanné-Chantelot et al. 2008. PubMed ID: 18003757; Rama Chandran et al. 2018. PubMed ID: 30181854; Ma et al. 2020. PubMed ID: 32238361). This variant is reported in 0.012% of alleles in individuals of East Asian descent in gnomAD. At this time, the clinical significance of this variant is uncertain due to the absence of conclusive functional and genetic evidence.

Broad Center for Mendelian Genomics, Broad Institute of MIT and Harvard
Classification: Uncertain significance for Maturity-onset diabetes of the young type 3. Last evaluated: 2020-01-22. Review status: criteria provided, single submitter. Criteria: ACMG Guidelines, 2015. Collection method: curation. Allele origin: germline. Inheritance: Autosomal dominant inheritance.
Comment: Please note that for diseases with clinical variability, or reduced penetrance, pathogenic variants may be present at a low frequency in the general population. Computational prediction tools and conservation analyses do not provide strong support for or against an impact to the protein. In summary, while there is some suspicion for a pathogenic role, the clinical significance of this variant is uncertain. ACMG/AMP Criteria applied: PM2, PS4_supporting (Richards 2015).

Literature cited by the submitters: PubMed 18003757 (cited by Broad Center for Mendelian Genomics, Broad Institute of MIT and Harvard); PubMed 15657605 (cited by Broad Center for Mendelian Genomics, Broad Institute of MIT and Harvard).

NM_000545.8(HNF1A):c.932C>A (p.Ala311Asp)

Gene: HNF1A (HNF1 homeobox A; plus strand). Cytogenetic location: 12q24.31.
Variant type: single nucleotide variant.
Coding change: c.932C>A on transcript NM_000545.8 (MANE Select); coding-DNA position 932, C replaced by A.
Protein change: p.Ala311Asp; replaces alanine 311 with aspartic acid.
Molecular consequence: missense variant.
Genome position (GRCh38, 1-based): chr12:120,994,382, C>A. VCF-style: chr12-120994382-C-A. GRCh37 (hg19) VCF-style: chr12-121432185-C-A.
Other names: c.932C>A (NM_000545.6); c.932C>A, p.Ala311Asp (NM_001306179.2); short protein forms A311D.
Identifiers: ClinVar variation 972813 (VCV000972813.4), dbSNP rs757574765, ClinGen allele CA6831870.
Genomic context (GRCh38, chr12:120,994,382, plus strand): 5'-CAGGGCCAGGCCCGGGACCTGCGCTGCCCGCTCACAGCTCCCCTGGCCTGCCTCCACCTG[C>A]CCTCTCCCCCAGTAAGGTCCACGGTAAGTGGTATGTGGGGACAAGGGACACGTGGGAAGG-3'
Protein context (NP_000536.6, residues 301-321): AHSSPGLPPP[Ala311Asp]LSPSKVHGVR